The following is an entry in ClinVar:

NM_025137.4(SPG11):c.2230del (p.Leu744fs)

Gene: SPG11 (SPG11 vesicle trafficking associated, spatacsin; minus strand). Cytogenetic location: 15q21.1.
Variant type: Deletion.
Coding change: c.2230del on transcript NM_025137.4 (MANE Select); coding-DNA position 2230, one base deleted (C; older notation c.2230delC).
Protein change: p.Leu744fs; shifts the reading frame from leucine 744.
Molecular consequence: frameshift variant.
Genome position (GRCh38, 1-based): chr15:44,626,345, G deleted on the plus strand (C on the coding strand, the reverse complement: SPG11 is on the minus strand). VCF-style (leftmost placement, unchanged base first): chr15-44626344-AG-A. GRCh37 (hg19) VCF-style: chr15-44918542-AG-A.
Other names: c.2230del, p.Leu744fs (NM_001160227.2, NM_001411132.1); short protein forms L744fs.
Identifiers: ClinVar variation 2849779 (VCV002849779.3), dbSNP rs2505581382, ClinGen allele CA2739278562.

ClinVar aggregate classification (germline): Pathogenic (1 of 4 stars; one submission).

Conditions:
Hereditary spastic paraplegia 11. Also called: SPASTIC PARAPLEGIA, AUTOSOMAL RECESSIVE, COMPLICATED, WITH THIN CORPUS CALLOSUM; SPASTIC PARAPLEGIA, AUTOSOMAL RECESSIVE, WITH MENTAL IMPAIRMENT AND THIN CORPUS CALLOSUM; Nakamura Osame syndrome; Autosomal recessive hereditary spastic paraplegia, mental impairment, and thin corpus callosum; Spastic paraplegia, mental retardation and thin corpus callosum; Spastic Paraplegia 11. Identifiers: Orphanet 2822, MedGen C1858479, MONDO:0011445, OMIM 604360.

Submission:

Labcorp Genetics (formerly Invitae), Labcorp
Classification: Pathogenic for Hereditary spastic paraplegia 11. Last evaluated: 2023-03-26. Review status: criteria provided, single submitter. Criteria: Invitae Variant Classification Sherloc (09022015). Collection method: clinical testing. Allele origin: germline.
Comment: This sequence change creates a premature translational stop signal (p.Leu744Phefs*2) in the SPG11 gene. It is expected to result in an absent or disrupted protein product. Loss-of-function variants in SPG11 are known to be pathogenic (PMID: 19105190, 20110243, 22154821, 26556829). This variant is not present in population databases (gnomAD no frequency). This variant has not been reported in the literature in individuals affected with SPG11-related conditions. For these reasons, this variant has been classified as Pathogenic.

Literature cited by the submitters: PubMed 19105190; PubMed 20110243; PubMed 22154821; PubMed 26556829.